The following is an entry in ClinVar:

NM_032043.3(BRIP1):c.3629_3631del (p.Asp1210del)

Gene: BRIP1 (BRCA1 interacting DNA helicase 1; minus strand). Cytogenetic location: 17q23.2.
Variant type: Deletion.
Coding change: c.3629_3631del on transcript NM_032043.3 (MANE Select); coding-DNA positions 3629 to 3631, 3 bases deleted (ATG; older notation c.3629_3631delATG).
Protein change: p.Asp1210del; deletes aspartic acid 1210.
Molecular consequence: inframe deletion.
Genome position (GRCh38, 1-based): chr17:61,683,415-61,683,417, CAT deleted on the plus strand (ATG on the coding strand, the reverse complement: BRIP1 is on the minus strand); deleting any 3 consecutive bases within chr17:61,683,415-61,683,419 gives the same sequence; the c. name uses the placement nearest the transcript's 3' end. VCF-style (leftmost placement, unchanged base first): chr17-61683414-CCAT-C. GRCh37 (hg19) VCF-style: chr17-59760775-CCAT-C.
Other names: c.3629_3631delATG (NM_032043.2).
Identifiers: ClinVar variation 419945 (VCV000419945.16), dbSNP rs1064794200, ClinGen allele CA16620506.

ClinVar aggregate classification (germline): Uncertain significance. Review status: criteria provided, multiple submitters, no conflicts (2 of 4 stars). 3 submissions from 3 submitters: Uncertain significance (3). Last evaluated 2025-09-11.

Conditions:
Hereditary cancer-predisposing syndrome. Also called: Hereditary neoplastic syndrome; Hereditary Cancer Syndrome; Neoplastic Syndromes, Hereditary; Tumor predisposition. Identifiers: Orphanet 140162, MedGen C0027672, MeSH D009386, MONDO:0015356.
Fanconi anemia complementation group J. Also called: BRIP1-Related Fanconi Anemia. Identifiers: Orphanet 84, MedGen C1836860, MONDO:0012187, OMIM 609054.
Familial cancer of breast. Also called: hereditary breast carcinoma; Hereditary breast cancer; BREAST CANCER, FAMILIAL. Identifiers: Orphanet 227535, MedGen C0346153, MONDO:0016419, OMIM 114480. Disease mechanism: loss of function.

Submissions (3):

Labcorp Genetics (formerly Invitae), Labcorp
Classification: Uncertain significance for Familial cancer of breast; Fanconi anemia complementation group J. Last evaluated: 2025-09-11. Review status: criteria provided, single submitter. Criteria: Invitae Variant Classification Sherloc (09022015). Collection method: clinical testing. Allele origin: germline.
Comment: This variant, c.3629_3631del, results in the deletion of 1 amino acid(s) of the BRIP1 protein (p.Asp1210del), but otherwise preserves the integrity of the reading frame. This variant is not present in population databases (gnomAD no frequency). This variant has not been reported in the literature in individuals affected with BRIP1-related conditions. ClinVar contains an entry for this variant (Variation ID: 419945). Experimental studies and prediction algorithms are not available or were not evaluated, and the functional significance of this variant is currently unknown. In summary, the available evidence is currently insufficient to determine the role of this variant in disease. Therefore, it has been classified as a Variant of Uncertain Significance.

Ambry Genetics
Classification: Uncertain significance for Hereditary cancer-predisposing syndrome. Last evaluated: 2019-01-10. Review status: criteria provided, single submitter. Criteria: Ambry Variant Classification Scheme 2023. Collection method: clinical testing. Allele origin: germline.
Comment: The c.3629_3631delATG variant (also known as p.D1210del) is located in coding exon 19 of the BRIP1 gene. This variant results from an in-frame ATG deletion at nucleotide positions 3629 to 3631. This results in the in-frame deletion of an aspartic acid at codon 1210. This amino acid position is poorly conserved in available vertebrate species. Since supporting evidence is limited at this time, the clinical significance of this alteration remains unclear.

GeneDx
Classification: Uncertain significance. Last evaluated: 2015-11-05. Review status: criteria provided, single submitter. Criteria: GeneDx Variant Classification (06012015). Collection method: clinical testing. Allele origin: germline. Affected: yes.
Comment: This in-frame deletion of 3 nucleotides in BRIP1 is denoted c.3629_3631delATG at the cDNA level and p.Asp1210del (D1210del) at the protein level. The normal sequence, with the bases that are deleted in braces, is ATTG[ATG]GTAA. This deletion of a single Aspartic Acid residue occurs at a position that is not conserved across species and is not located in a known functional domain (Cantor 2011, UniProt). This variant has not, to our knowledge, been published in the literature as pathogenic or benign. Since in-frame deletions may or may not inhibit proper protein functioning, the clinical significance of this finding remains unclear at this time and we consider BRIP1 Asp1210del to be a variant of uncertain significance.